The following is an entry in ClinVar:

ClinVar aggregate classification (germline): Uncertain significance (1 of 4 stars; one submission).

Conditions:
CHARGE syndrome (CHARGE). Also called: Hittner Hirsch Kreh syndrome; CHARGE ASSOCIATION--COLOBOMA, HEART ANOMALY, CHOANAL ATRESIA, RETARDATION, GENITAL AND EAR ANOMALIES; Coloboma, heart anomaly, choanal atresia, retardation, genital and ear anomalies; CHARGE association; Hall-Hittner syndrome. Identifiers: Orphanet 138, MedGen C0265354, MONDO:0008965.

Allele frequency attached by ClinVar (database versions not stated): gnomAD exomes 0.00001.
gnomAD v4.1: 6 of 1,612,046 alleles (0.00037%); highest among the groups gnomAD compares: Non-Finnish European, 0.00051%; no homozygotes.

Submission:

Labcorp Genetics (formerly Invitae), Labcorp
Classification: Uncertain significance for CHARGE syndrome. Last evaluated: 2022-05-10. Review status: criteria provided, single submitter. Criteria: Invitae Variant Classification Sherloc (09022015). Collection method: clinical testing. Allele origin: germline.
Comment: In summary, the available evidence is currently insufficient to determine the role of this variant in disease. Therefore, it has been classified as a Variant of Uncertain Significance. Advanced modeling of protein sequence and biophysical properties (such as structural, functional, and spatial information, amino acid conservation, physicochemical variation, residue mobility, and thermodynamic stability) performed at Invitae indicates that this missense variant is expected to disrupt CHD7 protein function. This variant has not been reported in the literature in individuals affected with CHD7-related conditions. This variant is not present in population databases (gnomAD no frequency). This sequence change replaces isoleucine, which is neutral and non-polar, with threonine, which is neutral and polar, at codon 1796 of the CHD7 protein (p.Ile1796Thr).

NM_017780.4(CHD7):c.5387T>C (p.Ile1796Thr)

Gene: CHD7 (chromodomain helicase DNA binding protein 7; plus strand). Cytogenetic location: 8q12.2.
Variant type: single nucleotide variant.
Coding change: c.5387T>C on transcript NM_017780.4 (MANE Select); coding-DNA position 5387, T replaced by C.
Protein change: p.Ile1796Thr; replaces isoleucine 1796 with threonine.
Molecular consequence: missense variant. On other transcripts: intron variant (1).
Genome position (GRCh38, 1-based): chr8:60,849,137, T>C. VCF-style: chr8-60849137-T-C. GRCh37 (hg19) VCF-style: chr8-61761696-T-C.
Other names: c.1717-13092T>C (NM_001316690.1); short protein forms I1796T.
Identifiers: ClinVar variation 2146757 (VCV002146757.4), dbSNP rs1554603290, ClinGen allele CA371321296.
Genomic context (GRCh38, chr8:60,849,137, plus strand): 5'-CTTTCCATGCTGAAGTTCCTGCAGATTGGTGGGATAAGGAAGCAGACAAATCCCTCTTAA[T>C]TGGAGTGTTCAAACATGGTAAGTGACGTTTCTGTTTGAATACATCTCAACTGTATGGCTT-3'
Protein context (NP_060250.2, residues 1786-1806): WDKEADKSLL[Ile1796Thr]GVFKHGYEKY